The following is an entry in ClinVar:

NM_198576.4(AGRN):c.1054C>G (p.Arg352Gly)

Gene: AGRN (agrin; plus strand). Cytogenetic location: 1p36.33.
Variant type: single nucleotide variant.
Coding change: c.1054C>G on transcript NM_198576.4 (MANE Select); coding-DNA position 1054, C replaced by G.
Protein change: p.Arg352Gly; replaces arginine 352 with glycine.
Molecular consequence: missense variant.
Genome position (GRCh38, 1-based): chr1:1,041,579, C>G. VCF-style: chr1-1041579-C-G. GRCh37 (hg19) VCF-style: chr1-976959-C-G.
Other names: c.1054C>G, p.Arg352Gly (NM_001305275.2); c.739C>G, p.Arg247Gly (NM_001364727.2); short protein forms R352G, R247G.
Identifiers: ClinVar variation 474095 (VCV000474095.1), dbSNP rs149868381, ClinGen allele CA337826758.

ClinVar aggregate classification (germline): Uncertain significance (1 of 4 stars; one submission).

Conditions:
Congenital myasthenic syndrome 8. Also called: MYASTHENIC SYNDROME, CONGENITAL, DUE TO AGRIN DEFICIENCY; Myasthenic syndrome, congenital, 8, with pre- and postsynaptic defects. Identifiers: Orphanet 590, MedGen C3808739, MONDO:0014052, OMIM 615120.

gnomAD v4.1: 1 of 1,610,496 alleles (0.000062%); highest among the groups gnomAD compares: South Asian, 0.0011%; no homozygotes.

Submission:

Labcorp Genetics (formerly Invitae), Labcorp
Classification: Uncertain significance for Myasthenic syndrome, congenital, 8. Last evaluated: 2018-02-16. Review status: criteria provided, single submitter. Criteria: Invitae Variant Classification Sherloc (09022015). Collection method: clinical testing. Allele origin: germline.
Comment: This sequence change replaces arginine with glycine at codon 352 of the AGRN protein (p.Arg352Gly). The arginine residue is weakly conserved and there is a moderate physicochemical difference between arginine and glycine. This variant is not present in population databases (ExAC no frequency). This variant has not been reported in the literature in individuals with AGRN-related disease. ClinVar contains an entry for this variant (Variation ID: 474095). Algorithms developed to predict the effect of missense changes on protein structure and function do not agree on the potential impact of this missense change (SIFT: "Tolerated"; PolyPhen-2: "Possibly Damaging"; Align-GVGD: "Class C0"). In summary, the available evidence is currently insufficient to determine the role of this variant in disease. Therefore, it has been classified as a Variant of Uncertain Significance.